The following is an entry in ClinVar:

ClinVar aggregate classification (germline): Uncertain significance. Review status: criteria provided, multiple submitters, no conflicts (2 of 4 stars). 2 submissions from 2 submitters: Uncertain significance (2). Last evaluated 2026-01-22.

Conditions:
Hereditary cancer-predisposing syndrome. Also called: Tumor predisposition; Neoplastic Syndromes, Hereditary; Hereditary Cancer Syndrome; Hereditary neoplastic syndrome. Identifiers: Orphanet 140162, MedGen C0027672, MeSH D009386, MONDO:0015356.
Multiple endocrine neoplasia, type 2 (MEN2). Identifiers: Orphanet 653, MedGen C4048306, MONDO:0019003. Disease mechanism: gain of function.

Submissions (2):

Ambry Genetics
Classification: Uncertain significance for Hereditary cancer-predisposing syndrome. Last evaluated: 2026-01-22. Review status: criteria provided, single submitter. Criteria: Ambry Variant Classification Scheme 2023. Collection method: clinical testing. Allele origin: germline.
Comment: The c.336C>T variant (also known as p.R112R), located in coding exon 2 of the RET gene, results from a C to T substitution at nucleotide position 336. This nucleotide substitution does not change the arginine at codon 112. This nucleotide position is not well conserved in available vertebrate species. In silico splice site analysis for this alteration is inconclusive. Based on the available evidence, the clinical significance of this variant remains unclear.

Labcorp Genetics (formerly Invitae), Labcorp
Classification: Uncertain significance for Multiple endocrine neoplasia, type 2. Last evaluated: 2023-07-16. Review status: criteria provided, single submitter. Criteria: Invitae Variant Classification Sherloc (09022015). Collection method: clinical testing. Allele origin: germline.
Comment: In summary, the available evidence is currently insufficient to determine the role of this variant in disease. Therefore, it has been classified as a Variant of Uncertain Significance. Algorithms developed to predict the effect of sequence changes on RNA splicing suggest that this variant is not likely to affect RNA splicing. This variant has not been reported in the literature in individuals affected with RET-related conditions. This variant is not present in population databases (gnomAD no frequency). This sequence change affects codon 112 of the RET mRNA. It is a 'silent' change, meaning that it does not change the encoded amino acid sequence of the RET protein. It affects a nucleotide within the consensus splice site.

NM_020975.6(RET):c.336C>T (p.Arg112=)

Gene: RET (ret proto-oncogene; plus strand). Cytogenetic location: 10q11.21.
Variant type: single nucleotide variant.
Coding change: c.336C>T on transcript NM_020975.6 (MANE Select); coding-DNA position 336, C replaced by T.
Protein change: p.Arg112=; no amino-acid change (arginine 112 retained).
Molecular consequence: synonymous variant. On other transcripts: intron variant (4).
Genome position (GRCh38, 1-based): chr10:43,100,721, C>T. VCF-style: chr10-43100721-C-T. GRCh37 (hg19) VCF-style: chr10-43596169-C-T.
Other names: c.336C>T, p.Arg112= (NM_000323.2, NM_001406743.1, NM_001406744.1 and 34 more transcripts); c.74-8310C>T (NM_001406784.1); c.74-11378C>T (NM_001406794.1, NM_001406792.1, NM_001406793.1).
Identifiers: ClinVar variation 2888058 (VCV002888058.4), dbSNP rs2132665616, ClinGen allele CA469490361.